The following is an entry in ClinVar:

ClinVar aggregate classification (germline): Uncertain significance. Review status: criteria provided, multiple submitters, no conflicts (2 of 4 stars). 2 submissions from 2 submitters: Uncertain significance (2). Last evaluated 2026-01-26.

Conditions:
FH-related disorder. Also called: FH-related disorders; FH-related condition.

Submissions (2):

Labcorp Genetics (formerly Invitae), Labcorp
Classification: Uncertain significance. Last evaluated: 2026-01-26. Review status: criteria provided, single submitter. Criteria: Invitae Variant Classification Sherloc (09022015). Collection method: clinical testing. Allele origin: germline.
Comment: This sequence change replaces alanine, which is neutral and non-polar, with serine, which is neutral and polar, at codon 194 of the FH protein (p.Ala194Ser). This variant is not present in population databases (gnomAD no frequency). This variant has not been reported in the literature in individuals affected with FH-related conditions. ClinVar contains an entry for this variant (Variation ID: 1061776). Invitae Evidence Modeling of protein sequence and biophysical properties (such as structural, functional, and spatial information, amino acid conservation, physicochemical variation, residue mobility, and thermodynamic stability) indicates that this missense variant is expected to disrupt FH protein function with a positive predictive value of 95%. In summary, the available evidence is currently insufficient to determine the role of this variant in disease. Therefore, it has been classified as a Variant of Uncertain Significance.

PreventionGenetics, part of Exact Sciences
Classification: Uncertain significance for FH-related condition. Last evaluated: 2023-05-04. Review status: criteria provided, single submitter. Criteria: ACMG Guidelines, 2015. Collection method: clinical testing. Allele origin: germline.
Comment: The FH c.580G>T variant is predicted to result in the amino acid substitution p.Ala194Ser. To our knowledge, this variant has not been reported in the literature or in a large population database, indicating this variant is rare. This variant is interpreted as a variant of uncertain significance in ClinVar. At this time, the clinical significance of this variant is uncertain due to the absence of conclusive functional and genetic evidence.

NM_000143.4(FH):c.580G>T (p.Ala194Ser)

Gene: FH (fumarate hydratase; minus strand). Cytogenetic location: 1q43.
Variant type: single nucleotide variant.
Coding change: c.580G>T on transcript NM_000143.4 (MANE Select); coding-DNA position 580, G replaced by T.
Protein change: p.Ala194Ser; replaces alanine 194 with serine.
Molecular consequence: missense variant.
Genome position (GRCh38, 1-based): chr1:241,508,761, C>A on the plus strand (G>T on the coding strand, the complement: FH is on the minus strand). VCF-style: chr1-241508761-C-A. GRCh37 (hg19) VCF-style: chr1-241672061-C-A.
Other names: c.580G>T (NM_000143.3); short protein forms A194S.
Identifiers: ClinVar variation 1061776 (VCV001061776.10), dbSNP rs587782215, ClinGen allele CA345439459.